The following is an entry in ClinVar:

NM_020708.5(SLC12A5):c.2092C>A (p.Leu698Met)

Gene: SLC12A5 (solute carrier family 12 member 5; plus strand). Cytogenetic location: 20q13.12.
Variant type: single nucleotide variant.
Coding change: c.2092C>A on transcript NM_020708.5 (MANE Select); coding-DNA position 2092, C replaced by A.
Protein change: p.Leu698Met; replaces leucine 698 with methionine.
Molecular consequence: missense variant.
Genome position (GRCh38, 1-based): chr20:46,049,701, C>A. VCF-style: chr20-46049701-C-A. GRCh37 (hg19) VCF-style: chr20-44678340-C-A.
Other names: c.2161C>A, p.Leu721Met (NM_001134771.2); short protein forms L698M, L721M.
Identifiers: ClinVar variation 934087 (VCV000934087.10), dbSNP rs1325111537, ClinGen allele CA409202252.
Genomic context (GRCh38, chr20:46,049,701, plus strand): 5'-GTGCGTGTGGACCAAGACCAGAATGTGGTGCACCCCCAGCTGCTCTCACTGACCTCCCAG[C>A]TGAAGGCGGGGAAGGGCCTGACCATCGTGGGCTCTGTCCTTGAGGGCACCTTTCTGGAAA-3'
Protein context (NP_065759.1, residues 688-708): HPQLLSLTSQ[Leu698Met]KAGKGLTIVG

ClinVar aggregate classification (germline): Uncertain significance (1 of 4 stars; one submission).

Conditions:
Developmental and epileptic encephalopathy, 34 (DEE34). Also called: Early infantile epileptic encephalopathy 34; SLC12A5-Related Epilepsy of Infancy with Migrating Focal Seizures. Identifiers: Orphanet 293181, MedGen C4225257, MONDO:0014718, OMIM 616645.

Allele frequency attached by ClinVar (database versions not stated): gnomAD exomes 0.00001.
gnomAD v4.1: 3 of 1,606,722 alleles (0.00019%); highest among the groups gnomAD compares: Non-Finnish European, 0.00025%; no homozygotes.

Submission:

Labcorp Genetics (formerly Invitae), Labcorp
Classification: Uncertain significance for Developmental and epileptic encephalopathy, 34. Last evaluated: 2019-10-09. Review status: criteria provided, single submitter. Criteria: Invitae Variant Classification Sherloc (09022015). Collection method: clinical testing. Allele origin: germline.
Comment: This sequence change replaces leucine with methionine at codon 698 of the SLC12A5 protein (p.Leu698Met). The leucine residue is highly conserved and there is a small physicochemical difference between leucine and methionine. This variant is not present in population databases (ExAC no frequency). This variant has not been reported in the literature in individuals with SLC12A5-related conditions. Algorithms developed to predict the effect of missense changes on protein structure and function are either unavailable or do not agree on the potential impact of this missense change (SIFT: "Deleterious"; PolyPhen-2: "Probably Damaging"; Align-GVGD: "Class C0"). In summary, the available evidence is currently insufficient to determine the role of this variant in disease. Therefore, it has been classified as a Variant of Uncertain Significance.